The following is an entry in ClinVar:

NM_004960.4(FUS):c.636C>T (p.Asp212=)

Gene: FUS (FUS DNA/RNA binding protein; plus strand). Cytogenetic location: 16p11.2.
Variant type: single nucleotide variant.
Coding change: c.636C>T on transcript NM_004960.4 (MANE Select); coding-DNA position 636, C replaced by T.
Protein change: p.Asp212=; no amino-acid change (aspartic acid 212 retained).
Molecular consequence: synonymous variant. On other transcripts: non-coding transcript variant (1).
Genome position (GRCh38, 1-based): chr16:31,185,051, C>T. VCF-style: chr16-31185051-C-T. GRCh37 (hg19) VCF-style: chr16-31196372-C-T.
Other names: c.633C>T, p.Asp211= (NM_001170634.1); c.624C>T, p.Asp208= (NM_001170937.1).
Identifiers: ClinVar variation 540284 (VCV000540284.17), dbSNP rs147528034, ClinGen allele CA8023722.
Genomic context (GRCh38, chr16:31,185,051, plus strand): 5'-CGGTTATGGCAATCAAGACCAGAGTGGTGGAGGTGGCAGCGGTGGCTATGGACAGCAGGA[C>T]CGTGGAGGCCGCGGCAGGGGTGGCAGTGGTGGCGGCGGCGGCGGCGGCGGTGGTGGTTAC-3'
Protein context (NP_004951.1, residues 202-222): GGGSGGYGQQ[Asp212=]RGGRGRGGSG

ClinVar aggregate classification (germline): Benign/Likely benign. Review status: criteria provided, multiple submitters, no conflicts (2 of 4 stars). 4 submissions from 4 submitters: Benign (2); Likely benign (2). Last evaluated 2026-05-01.

Conditions:
Inborn genetic diseases. Identifiers: MedGen C0950123, MeSH D030342.
Tremor, hereditary essential, 4 (ETM4). Identifiers: MedGen C3539195, MONDO:0013888, OMIM 614782.
Amyotrophic lateral sclerosis type 6. Also called: AMYOTROPHIC LATERAL SCLEROSIS 6 WITHOUT FRONTOTEMPORAL DEMENTIA; FUS-Related Amyotrophic Laterial Sclerosis; Amyotrophic lateral sclerosis 6, with or without frontotemporal dementia. Identifiers: Orphanet 275872, Orphanet 803, MedGen C2931786, MONDO:0011951, OMIM 608030.

Allele frequency attached by ClinVar (database versions not stated): gnomAD exomes 0.00074; ExAC 0.00088; 1000 Genomes Project 30x 0.00109; 1000 Genomes Project 0.00120; gnomAD 0.00282; TOPMed 0.00295; ESP Exome Variant Server 0.00300.
gnomAD v4.1: 846 of 1,611,800 alleles (0.052%); highest among the groups gnomAD compares: African/African-American, 0.98%; 4 homozygotes.

Submissions (4):

CeGaT Center for Human Genetics Tuebingen
Classification: Likely benign. Last evaluated: 2026-05-01. Review status: criteria provided, single submitter. Criteria: CeGaT Center For Human Genetics Tuebingen Variant Classification Criteria Version 2. Collection method: clinical testing. Allele origin: germline. Affected: yes. Observed: 1 variant allele.
Comment: FUS: BP4, BS1

Labcorp Genetics (formerly Invitae), Labcorp
Classification: Benign for Tremor, hereditary essential, 4; Amyotrophic lateral sclerosis type 6. Last evaluated: 2025-10-13. Review status: criteria provided, single submitter. Criteria: Invitae Variant Classification Sherloc (09022015). Collection method: clinical testing. Allele origin: germline.

Ambry Genetics
Classification: Likely benign for Inborn genetic diseases. Last evaluated: 2022-02-17. Review status: criteria provided, single submitter. Criteria: Ambry Variant Classification Scheme 2023. Collection method: clinical testing. Allele origin: germline.

GeneDx
Classification: Benign. Last evaluated: 2020-11-10. Review status: criteria provided, single submitter. Criteria: GeneDx Variant Classification Process June 2021. Collection method: clinical testing. Allele origin: germline. Affected: yes.